The following is an entry in ClinVar:

NM_001384140.1(PCDH15):c.3232+1G>A

Gene: PCDH15 (protocadherin related 15; minus strand). Cytogenetic location: 10q21.1.
Variant type: single nucleotide variant.
Coding change: c.3232+1G>A on transcript NM_001384140.1 (MANE Select); the canonical splice donor site of the intron after coding-DNA position 3232, G replaced by A.
Molecular consequence: splice donor variant.
Genome position (GRCh38, 1-based): chr10:53,940,865, C>T on the plus strand (G>A on the coding strand, the complement: PCDH15 is on the minus strand). VCF-style: chr10-53940865-C-T. GRCh37 (hg19) VCF-style: chr10-55700625-C-T.
Other names: NM_001384140.1:c.3232+1G>A; c.3253+1G>A (NM_001354411.2); c.3268+1G>A (NM_001142769.3); c.3166+1G>A (NM_001354404.2, NM_001142773.2, NM_001142768.2); c.3121+1G>A (NM_001142767.2); c.3019+1G>A (NM_001142765.2); c.3232+1G>A (NM_001142766.2, NM_033056.4, NM_001142764.2 and 4 more transcripts); c.3247+1G>A (NM_001142763.2, NM_001142771.2).
Identifiers: ClinVar variation 2412659 (VCV002412659.6), dbSNP rs1476947005, ClinGen allele CA376517278.
Genomic context (GRCh38, chr10:53,940,865, plus strand): 5'-AATTAGGCCAAATCTAAGTTTACTGGTTGATGGTGAGAACACAAACTAAAAGTCTACTCA[C>T]CTTCTTCATTTCCTGAAACAATGGAGTACACAATACTTTGATTAATGGCAGCAGCAGAAA-3'

ClinVar aggregate classification (germline): Pathogenic/Likely pathogenic. Review status: criteria provided, multiple submitters, no conflicts (2 of 4 stars). 4 submissions from 4 submitters: Pathogenic (3); Likely pathogenic (1). Last evaluated 2024-03-14.

Conditions:
Autosomal recessive nonsyndromic hearing loss 23. Identifiers: Orphanet 90636, MedGen C1836027, MONDO:0012293, OMIM 609533.
Usher syndrome type 1D (USH1D). Also called: USHER SYNDROME, TYPE ID. Identifiers: Orphanet 231169, Orphanet 886, MedGen C1832845, MONDO:0010984, OMIM 601067.
Usher syndrome type 1F (USH1F). Also called: USHER SYNDROME, TYPE IF. Identifiers: Orphanet 231169, Orphanet 886, MedGen C1865885, MONDO:0011186, OMIM 602083.

Allele frequency attached by ClinVar (database versions not stated): gnomAD 0.00001.
gnomAD v4.1: 1 of 1,604,000 alleles (0.000062%); highest among the groups gnomAD compares: East Asian, 0.0022%; no homozygotes.

Submissions (4):

Fulgent Genetics
Classification: Pathogenic for Usher syndrome type 1D; Usher syndrome type 1F; Autosomal recessive nonsyndromic hearing loss 23. Last evaluated: 2024-03-14. Review status: criteria provided, single submitter. Criteria: ACMG Guidelines, 2015. Collection method: clinical testing. Allele origin: germline.

GeneDx
Classification: Pathogenic. Last evaluated: 2023-04-25. Review status: criteria provided, single submitter. Criteria: GeneDx Variant Classification Process June 2021. Collection method: clinical testing. Allele origin: germline. Affected: yes.
Comment: Canonical splice site variant predicted to result in a null allele in a gene for which loss of function is a known mechanism of disease; Not observed at significant frequency in large population cohorts (gnomAD); This variant is associated with the following publications: (PMID: 29625443)

Labcorp Genetics (formerly Invitae), Labcorp
Classification: Pathogenic. Last evaluated: 2023-03-23. Review status: criteria provided, single submitter. Criteria: Invitae Variant Classification Sherloc (09022015). Collection method: clinical testing. Allele origin: germline.
Comment: Disruption of this splice site has been observed in individual(s) with Usher syndrome type 1 (PMID: 29625443). This variant is present in population databases (no rsID available, gnomAD 0.06%). This sequence change affects a donor splice site in intron 24 of the PCDH15 gene. It is expected to disrupt RNA splicing. Variants that disrupt the donor or acceptor splice site typically lead to a loss of protein function (PMID: 16199547), and loss-of-function variants in PCDH15 are known to be pathogenic (PMID: 11398101, 11487575, 14570705). ClinVar contains an entry for this variant (Variation ID: 2412659). For these reasons, this variant has been classified as Pathogenic. Algorithms developed to predict the effect of sequence changes on RNA splicing suggest that this variant may disrupt the consensus splice site.

Broad Center for Mendelian Genomics, Broad Institute of MIT and Harvard
Classification: Likely pathogenic for Usher syndrome type 1F. Last evaluated: 2023-01-24. Review status: criteria provided, single submitter. Criteria: ACMG Guidelines, 2015. Collection method: curation. Allele origin: germline. Inheritance: Autosomal recessive inheritance.
Comment: The c.3232+1G>A variant in PCDH15 has been reported in 1 individual, in the compound heterozygous state, with Usher syndrome type 1F (PMID: 29625443) and has been identified in 0.06% (1/1560) of East Asian chromosomes by the Genome Aggregation Database (gnomAD; dbSNP ID: rs1476947005). Although this variant has been seen in the general population in a heterozygous state, its frequency is not high enough to rule out a pathogenic role. This variant is located in the 3' splice region. Computational tools predict a splicing impact, though this information is not predictive enough to determine pathogenicity. Loss of function of the PCDH15 gene is an established disease mechanism in autosomal recessive Usher syndrome type 1F. In summary, the clinical significance of the c.3232+1G>A variant is uncertain. ACMG/AMP Criteria applied: PVS1, PM3 (Richards 2015).

Literature cited by the submitters: PubMed 29625443 (cited by Labcorp Genetics (formerly Invitae), Labcorp); PubMed 16199547 (cited by Labcorp Genetics (formerly Invitae), Labcorp); PubMed 11398101 (cited by Labcorp Genetics (formerly Invitae), Labcorp); PubMed 11487575 (cited by Labcorp Genetics (formerly Invitae), Labcorp); PubMed 14570705 (cited by Labcorp Genetics (formerly Invitae), Labcorp).